The following is an entry in ClinVar:

NM_003200.5(TCF3):c.419C>T (p.Pro140Leu)

Gene: TCF3 (transcription factor 3; minus strand). Cytogenetic location: 19p13.3.
Variant type: single nucleotide variant.
Coding change: c.419C>T on transcript NM_003200.5 (MANE Select); coding-DNA position 419, C replaced by T.
Protein change: p.Pro140Leu; replaces proline 140 with leucine.
Molecular consequence: missense variant.
Genome position (GRCh38, 1-based): chr19:1,625,656, G>A on the plus strand (C>T on the coding strand, the complement: TCF3 is on the minus strand). VCF-style: chr19-1625656-G-A. GRCh37 (hg19) VCF-style: chr19-1625655-G-A.
Other names: c.419C>T, p.Pro140Leu (NM_001136139.4, NM_001351778.2, NM_001351779.2); short protein forms P140L.
Identifiers: ClinVar variation 1481338 (VCV001481338.6), dbSNP rs753750629, ClinGen allele CA9050405.

ClinVar aggregate classification (germline): Uncertain significance (1 of 4 stars; one submission).

Allele frequency attached by ClinVar (database versions not stated): gnomAD 0.00001; gnomAD exomes 0.00001; TOPMed 0.00001; ExAC 0.00002.
gnomAD v4.1: 11 of 1,536,394 alleles (0.00072%); highest among the groups gnomAD compares: South Asian, 0.0012%; no homozygotes.

Submission:

Labcorp Genetics (formerly Invitae), Labcorp
Classification: Uncertain significance. Last evaluated: 2020-12-23. Review status: criteria provided, single submitter. Criteria: Invitae Variant Classification Sherloc (09022015). Collection method: clinical testing. Allele origin: germline.
Comment: In summary, the available evidence is currently insufficient to determine the role of this variant in disease. Therefore, it has been classified as a Variant of Uncertain Significance. Algorithms developed to predict the effect of missense changes on protein structure and function are either unavailable or do not agree on the potential impact of this missense change (SIFT: "Not Available"; PolyPhen-2: "Probably Damaging"; Align-GVGD: "Not Available"). This variant has not been reported in the literature in individuals with TCF3-related conditions. This variant is present in population databases (rs753750629, ExAC 0.005%). This sequence change replaces proline with leucine at codon 140 of the TCF3 protein (p.Pro140Leu). The proline residue is highly conserved and there is a moderate physicochemical difference between proline and leucine.